The following is an entry in ClinVar:

NM_001042492.3(NF1):c.8177A>G (p.Asp2726Gly)

Gene: NF1 (neurofibromin 1; plus strand). Cytogenetic location: 17q11.2.
Variant type: single nucleotide variant.
Coding change: c.8177A>G on transcript NM_001042492.3 (MANE Select); coding-DNA position 8177, A replaced by G.
Protein change: p.Asp2726Gly; replaces aspartic acid 2726 with glycine.
Molecular consequence: missense variant.
Genome position (GRCh38, 1-based): chr17:31,360,503, A>G. VCF-style: chr17-31360503-A-G. GRCh37 (hg19) VCF-style: chr17-29687521-A-G.
Other names: c.8114A>G, p.Asp2705Gly (NM_000267.4); short protein forms D2705G, D2726G.
Identifiers: ClinVar variation 2745755 (VCV002745755.3), dbSNP rs2070373212, ClinGen allele CA399204402.
Genomic context (GRCh38, chr17:31,360,503, plus strand): 5'-CTTAAAAAAAAGGAACTAAAATAATTTCCTATTTTCCATTACAGCAAACACAAATTCCAG[A>G]CTATGCTGAGCTTATTGTTAAGTTTCTTGATGCCTTGATTGACACGTACCTGCCTGGAAT-3'
Protein context (NP_001035957.1, residues 2716-2736): GPFSKQTQIP[Asp2726Gly]YAELIVKFLD

ClinVar aggregate classification (germline): Uncertain significance (1 of 4 stars; one submission).

Conditions:
Neurofibromatosis, type 1 (NF1). Also called: Peripheral type neurofibromatosis; NEUROFIBROMATOSIS, TYPE I, SOMATIC; VON RECKLINGHAUSEN DISEASE; Neurofibromatosis, type I. Identifiers: Orphanet 636, MedGen C0027831, MONDO:0018975, OMIM 162200. Disease mechanism: loss of function.

Submission:

Labcorp Genetics (formerly Invitae), Labcorp
Classification: Uncertain significance for Neurofibromatosis, type 1. Last evaluated: 2023-07-21. Review status: criteria provided, single submitter. Criteria: Invitae Variant Classification Sherloc (09022015). Collection method: clinical testing. Allele origin: germline.
Comment: Advanced modeling of protein sequence and biophysical properties (such as structural, functional, and spatial information, amino acid conservation, physicochemical variation, residue mobility, and thermodynamic stability) has been performed at Invitae for this missense variant, however the output from this modeling did not meet the statistical confidence thresholds required to predict the impact of this variant on NF1 protein function. In summary, the available evidence is currently insufficient to determine the role of this variant in disease. Therefore, it has been classified as a Variant of Uncertain Significance. This variant has not been reported in the literature in individuals affected with NF1-related conditions. This sequence change replaces aspartic acid, which is acidic and polar, with glycine, which is neutral and non-polar, at codon 2705 of the NF1 protein (p.Asp2705Gly). This variant is not present in population databases (gnomAD no frequency).